The following is an entry in ClinVar:

ClinVar aggregate classification (germline): Uncertain significance. Review status: criteria provided, multiple submitters, no conflicts (2 of 4 stars). 4 submissions from 4 submitters: Uncertain significance (2). 2 of the submissions do not count toward it. Last evaluated 2024-07-08.

Allele frequency attached by ClinVar (database versions not stated): TOPMed 0.00009; gnomAD 0.00015 and 0.00018; ESP Exome Variant Server 0.00017; ExAC 0.00025.
gnomAD v4.1: 233 of 1,613,338 alleles (0.014%); highest among the groups gnomAD compares: East Asian, 0.17%; no homozygotes.

Submissions (4):

GeneDx
Classification: Uncertain significance. Last evaluated: 2024-07-08. Review status: criteria provided, single submitter. Criteria: GeneDx Variant Classification Process June 2021. Collection method: clinical testing. Allele origin: germline. Affected: yes.
Comment: In silico analysis indicates that this missense variant does not alter protein structure/function; Has not been previously published as pathogenic or benign to our knowledge

Ambry Genetics
Classification: Uncertain significance. Last evaluated: 2022-06-28. Review status: criteria provided, single submitter. Criteria: Ambry Variant Classification Scheme 2023. Collection method: clinical testing. Allele origin: germline.

Clinical Genetics DNA and cytogenetics Diagnostics Lab, Erasmus MC, Erasmus Medical Center
Classification: Likely benign. Review status: no assertion criteria provided. Collection method: clinical testing. Allele origin: germline. Affected: yes. Study: VKGL Data-share Consensus. Not counted in ClinVar's aggregate classification.

Laboratory of Diagnostic Genome Analysis, Leiden University Medical Center (LUMC)
Classification: Likely benign. Review status: no assertion criteria provided. Collection method: clinical testing. Allele origin: germline. Affected: yes. Study: VKGL Data-share Consensus. Not counted in ClinVar's aggregate classification.

NM_001384125.1(BLTP1):c.5372G>A (p.Arg1791Lys)

Gene: BLTP1 (bridge-like lipid transfer protein family member 1; plus strand). Cytogenetic location: 4q27.
Variant type: single nucleotide variant.
Coding change: c.5372G>A on transcript NM_001384125.1 (MANE Select); coding-DNA position 5372, G replaced by A.
Protein change: p.Arg1791Lys; replaces arginine 1791 with lysine.
Molecular consequence: missense variant.
Genome position (GRCh38, 1-based): chr4:122,247,217, G>A. VCF-style: chr4-122247217-G-A. GRCh37 (hg19) VCF-style: chr4-123168372-G-A.
Other names: c.5372G>A, p.Arg1791Lys (NM_015312.4); c.5372G>A (NM_015312.3); short protein forms R1791K.
Identifiers: ClinVar variation 1205997 (VCV001205997.5), dbSNP rs200778020, ClinGen allele CA3066616.